The following is an entry in ClinVar:

ClinVar aggregate classification (germline): Uncertain significance (1 of 4 stars; one submission).

Conditions:
Hypertrophic cardiomyopathy. Also called: HYPERTROPHIC MYOCARDIOPATHY. Identifiers: Orphanet 217569, MedGen C0007194, MeSH D002312, MONDO:0005045, HP:0001639.

Submission:

Labcorp Genetics (formerly Invitae), Labcorp
Classification: Uncertain significance for Hypertrophic cardiomyopathy. Last evaluated: 2023-08-02. Review status: criteria provided, single submitter. Criteria: Invitae Variant Classification Sherloc (09022015). Collection method: clinical testing. Allele origin: germline.
Comment: Algorithms developed to predict the effect of sequence changes on RNA splicing suggest that this variant may disrupt the consensus splice site. An algorithm developed to predict the effect of missense changes on protein structure and function (PolyPhen-2) suggests that this variant is likely to be disruptive. This missense change has been observed in individual(s) with MYBPC3-related conditions (Invitae). This variant is not present in population databases (gnomAD no frequency). This sequence change replaces aspartic acid, which is acidic and polar, with tyrosine, which is neutral and polar, at codon 1247 of the MYBPC3 protein (p.Asp1247Tyr). In summary, the available evidence is currently insufficient to determine the role of this variant in disease. Therefore, it has been classified as a Variant of Uncertain Significance.

NM_000256.3(MYBPC3):c.3739G>T (p.Asp1247Tyr)

Gene: MYBPC3 (myosin binding protein C3; minus strand). Cytogenetic location: 11p11.2.
Variant type: single nucleotide variant.
Coding change: c.3739G>T on transcript NM_000256.3 (MANE Select); coding-DNA position 3739, G replaced by T.
Protein change: p.Asp1247Tyr; replaces aspartic acid 1247 with tyrosine.
Molecular consequence: missense variant.
Genome position (GRCh38, 1-based): chr11:47,332,147, C>A on the plus strand (G>T on the coding strand, the complement: MYBPC3 is on the minus strand). VCF-style: chr11-47332147-C-A. GRCh37 (hg19) VCF-style: chr11-47353698-C-A.
Other names: short protein forms D1247Y.
Identifiers: ClinVar variation 2822443 (VCV002822443.3), dbSNP rs1255776478, ClinGen allele CA380310995.